The following is an entry in ClinVar:

NM_001127222.2(CACNA1A):c.5250-3C>G

Gene: CACNA1A (calcium voltage-gated channel subunit alpha1 A; minus strand). Cytogenetic location: 19p13.13.
Variant type: single nucleotide variant.
Coding change: c.5250-3C>G on transcript NM_001127222.2 (MANE Select); 3 bases into the intron before coding-DNA position 5250, C replaced by G.
Molecular consequence: intron variant.
Genome position (GRCh38, 1-based): chr19:13,231,863, G>C on the plus strand (C>G on the coding strand, the complement: CACNA1A is on the minus strand). VCF-style: chr19-13231863-G-C. GRCh37 (hg19) VCF-style: chr19-13342677-G-C.
Other names: c.5253-3C>G (NM_001127221.2); c.5259-3C>G (NM_001174080.2); c.5268-3C>G (NM_000068.4, NM_023035.3).
Identifiers: ClinVar variation 3336063 (VCV003336063.1).

ClinVar aggregate classification (germline): Uncertain significance (1 of 4 stars; one submission).

Submission:

Women's Health and Genetics/Laboratory Corporation of America, LabCorp
Classification: Uncertain significance. Last evaluated: 2024-05-09. Review status: criteria provided, single submitter. Criteria: LabCorp Variant Classification Summary - May 2015. Collection method: clinical testing. Allele origin: germline.
Comment: Variant summary: CACNA1A c.5253-3C>G alters a non-conserved nucleotide located close to a canonical splice site and therefore could affect mRNA splicing, leading to a significantly altered protein sequence. Several computational tools predict a significant impact on normal splicing: Two predict the variant weakens a 3' acceptor site, and two predict the variant abolishes a 3' acceptor site. However, these predictions have yet to be confirmed by functional studies. The variant was absent in 247572 control chromosomes. The available data on variant occurrences in the general population are insufficient to allow any conclusion about variant significance. To our knowledge, no occurrence of c.5253-3C>G in individuals affected with CACNA1A-related conditions and no experimental evidence demonstrating its impact on protein function have been reported. No submitters have cited clinical-significance assessments for this variant to ClinVar. Based on the evidence outlined above, the variant was classified as uncertain significance.